The following is an entry in ClinVar:

ClinVar aggregate classification (germline): Conflicting classifications of pathogenicity. Review status: criteria provided, conflicting classifications (1 of 4 stars). 8 submissions from 8 submitters: Uncertain significance (3); Likely benign (2). 3 of the submissions do not count toward it. Last evaluated 2025-12-31.

Conditions:
USH2A-related disorder. Also called: USH2A-related condition; USH2A-related disorders. Identifiers: MedGen CN239332.

Allele frequency attached by ClinVar (database versions not stated): 1000 Genomes Project 30x 0.00016; TOPMed 0.00058; ESP Exome Variant Server 0.00077.
gnomAD v4.1: 155 of 1,614,024 alleles (0.0096%); highest among the groups gnomAD compares: African/African-American, 0.18%; 1 homozygote.

Submissions (8):

Labcorp Genetics (formerly Invitae), Labcorp
Classification: Likely benign. Last evaluated: 2025-12-31. Review status: criteria provided, single submitter. Criteria: Invitae Variant Classification Sherloc (09022015). Collection method: clinical testing. Allele origin: germline.

GeneDx
Classification: Uncertain significance. Last evaluated: 2023-09-29. Review status: criteria provided, single submitter. Criteria: GeneDx Variant Classification Process June 2021. Collection method: clinical testing. Allele origin: germline. Affected: yes.
Comment: In silico analysis supports that this missense variant does not alter protein structure/function; Has not been previously published as pathogenic or benign to our knowledge

Blueprint Genetics
Classification: Uncertain significance. Last evaluated: 2022-11-16. Review status: criteria provided, single submitter. Criteria: ACMG Guidelines, 2015. Collection method: clinical testing. Allele origin: germline.

Eurofins Ntd Llc (ga)
Classification: Uncertain significance. Last evaluated: 2017-09-20. Review status: criteria provided, single submitter. Criteria: EGL Classification Definitions 2015. Collection method: clinical testing. Allele origin: germline. Observed: 1 variant allele, 1 heterozygote.

Laboratory for Molecular Medicine, Mass General Brigham Personalized Medicine
Classification: Likely benign. Last evaluated: 2015-05-27. Review status: criteria provided, single submitter. Criteria: LMM Criteria. Collection method: clinical testing. Allele origin: germline. Observed: 2 variant alleles.
Comment: p.Asp2237Glu in exon 35 of USH2A: This variant is not expected to have clinical significance because the aspartic acid (Asp) residue at position 2237 is not con served through species, with >10 mammals having a glutamic acid (Glu) at this po sition. It has been identified in 0.2% (16/10406) of African chromosomes by the Exome Aggregation Consortium (ExAC; dbSNP rs1389 59688).

PreventionGenetics, part of Exact Sciences
Classification: Likely benign for USH2A-related condition. Last evaluated: 2024-09-16. Review status: no assertion criteria provided. Collection method: clinical testing. Allele origin: germline. Not counted in ClinVar's aggregate classification.
Comment: This variant is classified as likely benign based on ACMG/AMP sequence variant interpretation guidelines (Richards et al. 2015 PMID: 25741868, with internal and published modifications).

Clinical Genetics DNA and cytogenetics Diagnostics Lab, Erasmus MC, Erasmus Medical Center
Classification: Likely benign. Review status: no assertion criteria provided. Collection method: clinical testing. Allele origin: germline. Affected: yes. Study: VKGL Data-share Consensus. Not counted in ClinVar's aggregate classification.

Clinical Genetics, Academic Medical Center
Classification: Likely benign. Review status: no assertion criteria provided. Collection method: clinical testing. Allele origin: germline. Affected: yes. Study: VKGL Data-share Consensus. Not counted in ClinVar's aggregate classification.

NM_206933.4(USH2A):c.6711C>A (p.Asp2237Glu)

Gene: USH2A (usherin; minus strand). Cytogenetic location: 1q41.
Variant type: single nucleotide variant.
Coding change: c.6711C>A on transcript NM_206933.4 (MANE Select); coding-DNA position 6711, C replaced by A.
Protein change: p.Asp2237Glu; replaces aspartic acid 2237 with glutamic acid.
Molecular consequence: missense variant.
Genome position (GRCh38, 1-based): chr1:215,993,114, G>T on the plus strand (C>A on the coding strand, the complement: USH2A is on the minus strand). VCF-style: chr1-215993114-G-T. GRCh37 (hg19) VCF-style: chr1-216166456-G-T.
Other names: short protein forms D2237E.
Identifiers: ClinVar variation 48567 (VCV000048567.25), dbSNP rs138959688, ClinGen allele CA143568.